The following is an entry in ClinVar:

NM_003079.5(SMARCE1):c.522G>C (p.Gln174His)

Gene: SMARCE1 (SWI/SNF related BAF chromatin remodeling complex subunit E1; minus strand). Cytogenetic location: 17q21.2.
Variant type: single nucleotide variant.
Coding change: c.522G>C on transcript NM_003079.5 (MANE Select); coding-DNA position 522, G replaced by C.
Protein change: p.Gln174His; replaces glutamine 174 with histidine.
Molecular consequence: missense variant.
Genome position (GRCh38, 1-based): chr17:40,635,950, C>G on the plus strand (G>C on the coding strand, the complement: SMARCE1 is on the minus strand). VCF-style: chr17-40635950-C-G. GRCh37 (hg19) VCF-style: chr17-38792202-C-G.
Other names: short protein forms Q174H.
Identifiers: ClinVar variation 2112017 (VCV002112017.4), dbSNP rs761026520, ClinGen allele CA399366249.

ClinVar aggregate classification (germline): Uncertain significance (1 of 4 stars; one submission).

Conditions:
Familial meningioma. Also called: Meningioma, familial, susceptibility to. Identifiers: Orphanet 263662, MedGen C3551915, MONDO:0011789, OMIM 607174.

Submission:

Labcorp Genetics (formerly Invitae), Labcorp
Classification: Uncertain significance for Familial meningioma. Last evaluated: 2025-08-07. Review status: criteria provided, single submitter. Criteria: Invitae Variant Classification Sherloc (09022015). Collection method: clinical testing. Allele origin: germline.
Comment: This sequence change replaces glutamine, which is neutral and polar, with histidine, which is basic and polar, at codon 174 of the SMARCE1 protein (p.Gln174His). This variant is not present in population databases (gnomAD no frequency). This variant has not been reported in the literature in individuals affected with SMARCE1-related conditions. ClinVar contains an entry for this variant (Variation ID: 2112017). Invitae Evidence Modeling of protein sequence and biophysical properties (such as structural, functional, and spatial information, amino acid conservation, physicochemical variation, residue mobility, and thermodynamic stability) indicates that this missense variant is expected to disrupt SMARCE1 protein function with a positive predictive value of 80%. In summary, the available evidence is currently insufficient to determine the role of this variant in disease. Therefore, it has been classified as a Variant of Uncertain Significance.